The following is an entry in ClinVar:

NM_006269.2(RP1):c.2047T>A (p.Ser683Thr)

Gene: RP1 (RP1 axonemal microtubule associated; plus strand). Cytogenetic location: 8q12.1.
Variant type: single nucleotide variant.
Coding change: c.2047T>A on transcript NM_006269.2 (MANE Select); coding-DNA position 2047, T replaced by A.
Protein change: p.Ser683Thr; replaces serine 683 with threonine.
Molecular consequence: missense variant. On other transcripts: intron variant (1).
Genome position (GRCh38, 1-based): chr8:54,625,929, T>A. VCF-style: chr8-54625929-T-A. GRCh37 (hg19) VCF-style: chr8-55538489-T-A.
Other names: c.787+3641T>A (NM_001375654.1); short protein forms S683T.
Identifiers: ClinVar variation 1443466 (VCV001443466.6), dbSNP rs2129316399, ClinGen allele CA370992608.

ClinVar aggregate classification (germline): Uncertain significance (1 of 4 stars; one submission).

Submission:

Labcorp Genetics (formerly Invitae), Labcorp
Classification: Uncertain significance. Last evaluated: 2022-09-27. Review status: criteria provided, single submitter. Criteria: Invitae Variant Classification Sherloc (09022015). Collection method: clinical testing. Allele origin: germline.
Comment: This sequence change replaces serine, which is neutral and polar, with threonine, which is neutral and polar, at codon 683 of the RP1 protein (p.Ser683Thr). This variant is not present in population databases (gnomAD no frequency). This variant has not been reported in the literature in individuals affected with RP1-related conditions. ClinVar contains an entry for this variant (Variation ID: 1443466). Algorithms developed to predict the effect of missense changes on protein structure and function output the following: SIFT: "Tolerated"; PolyPhen-2: "Benign"; Align-GVGD: "Class C0". The threonine amino acid residue is found in multiple mammalian species, which suggests that this missense change does not adversely affect protein function. In summary, the available evidence is currently insufficient to determine the role of this variant in disease. Therefore, it has been classified as a Variant of Uncertain Significance.